The following is an entry in ClinVar:

ClinVar aggregate classification (germline): Likely pathogenic (1 of 4 stars; one submission).

Conditions:
Primary ciliary dyskinesia. Also called: Ciliary dyskinesia. Identifiers: Orphanet 244, MedGen C0008780, MONDO:0016575, HP:0012265.

Submission:

Labcorp Genetics (formerly Invitae), Labcorp
Classification: Likely pathogenic for Primary ciliary dyskinesia. Last evaluated: 2023-01-20. Review status: criteria provided, single submitter. Criteria: Invitae Variant Classification Sherloc (09022015). Collection method: clinical testing. Allele origin: germline.
Comment: This sequence change affects a splice site in intron 17 of the CCDC39 gene. It is expected to disrupt RNA splicing. Variants that disrupt the donor or acceptor splice site typically lead to a loss of protein function (PMID: 16199547), and loss-of-function variants in CCDC39 are known to be pathogenic (PMID: 21131972, 23255504). In summary, the currently available evidence indicates that the variant is pathogenic, but additional data are needed to prove that conclusively. Therefore, this variant has been classified as Likely Pathogenic. Algorithms developed to predict the effect of sequence changes on RNA splicing suggest that this variant may disrupt the consensus splice site. ClinVar contains an entry for this variant (Variation ID: 582252). This variant has not been reported in the literature in individuals affected with CCDC39-related conditions. This variant is not present in population databases (gnomAD no frequency).

Literature cited by the submitters: PubMed 16199547; PubMed 21131972; PubMed 23255504.

NM_181426.2(CCDC39):c.2407-2del

Genes: CCDC39 (coiled-coil domain 39 molecular ruler complex subunit; minus strand), TTC14 (tetratricopeptide repeat domain 14; plus strand). Cytogenetic location: 3q26.33.
Variant type: Deletion.
Coding change: c.2407-2del on transcript NM_181426.2 (MANE Select); the canonical splice acceptor site of the intron before coding-DNA position 2407, one base deleted (A; older notation c.2407-2delA).
Molecular consequence: splice acceptor variant. On other transcripts: intron variant (1).
Genome position (GRCh38, 1-based): chr3:180,616,697, T deleted on the plus strand (A on the coding strand, the reverse complement: CCDC39 is on the minus strand). VCF-style (leftmost placement, unchanged base first): chr3-180616696-CT-C. GRCh37 (hg19) VCF-style: chr3-180334484-CT-C.
Other names: c.1775-683del (NM_001288582.2).
Identifiers: ClinVar variation 582252 (VCV000582252.8), dbSNP rs1560079213, ClinGen allele CA891843079.